The following is an entry in ClinVar:

ClinVar aggregate classification (germline): Uncertain significance (1 of 4 stars; one submission).

Allele frequency attached by ClinVar (database versions not stated): gnomAD exomes below 0.00001; ExAC 0.00001; gnomAD 0.00001; TOPMed 0.00001.
gnomAD v4.1: 8 of 1,613,706 alleles (0.0005%); highest among the groups gnomAD compares: African/African-American, 0.004%; no homozygotes.

Submission:

Labcorp Genetics (formerly Invitae), Labcorp
Classification: Uncertain significance. Last evaluated: 2022-11-22. Review status: criteria provided, single submitter. Criteria: Invitae Variant Classification Sherloc (09022015). Collection method: clinical testing. Allele origin: germline.
Comment: Algorithms developed to predict the effect of missense changes on protein structure and function are either unavailable or do not agree on the potential impact of this missense change (SIFT: "Tolerated"; PolyPhen-2: "Probably Damaging"; Align-GVGD: "Class C0"). In summary, the available evidence is currently insufficient to determine the role of this variant in disease. Therefore, it has been classified as a Variant of Uncertain Significance. ClinVar contains an entry for this variant (Variation ID: 1460685). This variant has not been reported in the literature in individuals affected with TRIOBP-related conditions. This variant is present in population databases (rs748707289, gnomAD 0.0009%). This sequence change replaces arginine, which is basic and polar, with glutamine, which is neutral and polar, at codon 1021 of the TRIOBP protein (p.Arg1021Gln).

NM_001039141.3(TRIOBP):c.3062G>A (p.Arg1021Gln)

Gene: TRIOBP (TRIO and F-actin binding protein; plus strand). Cytogenetic location: 22q13.1.
Variant type: single nucleotide variant.
Coding change: c.3062G>A on transcript NM_001039141.3 (MANE Select); coding-DNA position 3062, G replaced by A.
Protein change: p.Arg1021Gln; replaces arginine 1021 with glutamine.
Molecular consequence: missense variant.
Genome position (GRCh38, 1-based): chr22:37,725,618, G>A. VCF-style: chr22-37725618-G-A. GRCh37 (hg19) VCF-style: chr22-38121625-G-A.
Other names: short protein forms R1021Q.
Identifiers: ClinVar variation 1460685 (VCV001460685.8), dbSNP rs748707289, ClinGen allele CA10224016.